The following is an entry in ClinVar:

ClinVar aggregate classification (germline): Benign. Review status: criteria provided, multiple submitters, no conflicts (2 of 4 stars). 3 submissions from 3 submitters: Benign (2). 1 of the submissions does not count toward it. Last evaluated 2019-12-31.

Conditions:
RORA-related disorder. Also called: RORA-related condition.

Allele frequency attached by ClinVar (database versions not stated): gnomAD exomes 0.00250 and 0.00594; ExAC 0.00724; 1000 Genomes Project 0.02017; 1000 Genomes Project 30x 0.02202; gnomAD 0.02414 and 0.02614; TOPMed 0.02629; ESP Exome Variant Server 0.03014.
gnomAD v4.1: 7,431 of 1,614,046 alleles (0.46%); highest among the groups gnomAD compares: African/African-American, 8.3%; 297 homozygotes.

Submissions (3):

Labcorp Genetics (formerly Invitae), Labcorp
Classification: Benign. Last evaluated: 2019-12-31. Review status: criteria provided, single submitter. Criteria: Invitae Variant Classification Sherloc (09022015). Collection method: clinical testing. Allele origin: germline.

Breakthrough Genomics
Classification: Benign. Review status: criteria provided, single submitter. Criteria: ACMG Guidelines, 2015. Collection method: not provided. Allele origin: germline. Inheritance: Autosomal dominant inheritance. Affected: yes.

PreventionGenetics, part of Exact Sciences
Classification: Benign for RORA-related condition. Last evaluated: 2019-07-23. Review status: no assertion criteria provided. Collection method: clinical testing. Allele origin: germline. Not counted in ClinVar's aggregate classification.
Comment: This variant is classified as benign based on ACMG/AMP sequence variant interpretation guidelines (Richards et al. 2015 PMID: 25741868, with internal and published modifications).

NM_134261.3(RORA):c.783C>T (p.Asn261=)

Genes: RORA (RAR related orphan receptor A; minus strand), RORA-AS1 (RORA antisense RNA 1; plus strand). Cytogenetic location: 15q22.2.
Variant type: single nucleotide variant.
Coding change: c.783C>T on transcript NM_134261.3 (MANE Select); coding-DNA position 783, C replaced by T.
Protein change: p.Asn261=; no amino-acid change (asparagine 261 retained).
Molecular consequence: synonymous variant.
Genome position (GRCh38, 1-based): chr15:60,511,263, G>A on the plus strand (C>T on the coding strand, the complement: RORA is on the minus strand). VCF-style: chr15-60511263-G-A. GRCh37 (hg19) VCF-style: chr15-60803462-G-A.
Other names: c.858C>T, p.Asn286= (NM_002943.4); c.882C>T, p.Asn294= (NM_134260.3); c.618C>T, p.Asn206= (NM_134262.3).
Identifiers: ClinVar variation 776906 (VCV000776906.7), dbSNP rs61743834, ClinGen allele CA7593648.
Genomic context (GRCh38, chr15:60,511,263, plus strand): 5'-AGGAGAAGCATGCATGCCATTACCTAATTCTGCCATGGACACAGTTGGGGAAGTCTCGCC[G>A]TTGGTGAACGAACAGTAGGGAAAGAAGCCTGATGCTGGTGTGTAGTCACATATTGGTTCT-3'
Protein context (NP_599023.1, residues 251-271): SGFFPYCSFT[Asn261=]GETSPTVSMA